The following is an entry in ClinVar:

NM_007098.4(CLTCL1):c.4721_4730del (p.Tyr1574fs)

Gene: CLTCL1 (clathrin heavy chain like 1; minus strand). Cytogenetic location: 22q11.21.
Variant type: Deletion.
Coding change: c.4721_4730del on transcript NM_007098.4 (MANE Select); coding-DNA positions 4721 to 4730, 10 bases deleted (ATGACCTGCT; older notation c.4721_4730delATGACCTGCT).
Protein change: p.Tyr1574fs; shifts the reading frame from tyrosine 1574.
Molecular consequence: frameshift variant.
Genome position (GRCh38, 1-based): chr22:19,183,487-19,183,496, AGCAGGTCAT deleted on the plus strand (ATGACCTGCT on the coding strand, the reverse complement: CLTCL1 is on the minus strand); deleting any 10 consecutive bases within chr22:19,183,487-19,183,503 gives the same sequence; the c. name uses the placement nearest the transcript's 3' end. VCF-style (leftmost placement, unchanged base first): chr22-19183486-AAGCAGGTCAT-A. GRCh37 (hg19) VCF-style: chr22-19170999-AAGCAGGTCAT-A.
Other names: p.Tyr1574Phefs*26; c.4550_4559del, p.Tyr1517fs (NM_001835.4); short protein forms Y1517fs, Y1574fs.
Identifiers: ClinVar variation 784888 (VCV000784888.5), dbSNP rs563734046, ClinGen allele CA10097647.

ClinVar aggregate classification (germline): Benign. Review status: criteria provided, multiple submitters, no conflicts (2 of 4 stars). 2 submissions from 2 submitters: Benign (2). Last evaluated 2023-09-07.

Submissions (2):

Mayo Clinic Laboratories, Mayo Clinic
Classification: Benign. Last evaluated: 2023-09-07. Review status: criteria provided, single submitter. Criteria: ACMG Guidelines, 2015. Collection method: clinical testing. Allele origin: germline. Observed: 3 variant alleles.
Comment: BS1, BS2

Labcorp Genetics (formerly Invitae), Labcorp
Classification: Benign. Last evaluated: 2019-12-31. Review status: criteria provided, single submitter. Criteria: Invitae Variant Classification Sherloc (09022015). Collection method: clinical testing. Allele origin: germline.